The following is an entry in ClinVar:

NM_005559.4(LAMA1):c.7897G>A (p.Gly2633Arg)

Gene: LAMA1 (laminin subunit alpha 1; minus strand). Cytogenetic location: 18p11.31.
Variant type: single nucleotide variant.
Coding change: c.7897G>A on transcript NM_005559.4 (MANE Select); coding-DNA position 7897, G replaced by A.
Protein change: p.Gly2633Arg; replaces glycine 2633 with arginine.
Molecular consequence: missense variant.
Genome position (GRCh38, 1-based): chr18:6,958,544, C>T on the plus strand (G>A on the coding strand, the complement: LAMA1 is on the minus strand). VCF-style: chr18-6958544-C-T. GRCh37 (hg19) VCF-style: chr18-6958543-C-T.
Other names: c.7897G>A (NM_005559.3); short protein forms G2633R.
Identifiers: ClinVar variation 435703 (VCV000435703.39), dbSNP rs769644598, ClinGen allele CA8880751.

ClinVar aggregate classification (germline): Conflicting classifications of pathogenicity. Review status: criteria provided, conflicting classifications (1 of 4 stars). 7 submissions from 7 submitters: Uncertain significance (5); Likely benign (1). 1 of the submissions does not count toward it. Last evaluated 2026-06-01.

Conditions:
Ataxia - intellectual disability - oculomotor apraxia - cerebellar cysts syndrome. Also called: Poretti-Boltshauser syndrome. Identifiers: Orphanet 370022, MedGen C4014821, MONDO:0014419, OMIM 615960.
Inborn genetic diseases. Identifiers: MedGen C0950123, MeSH D030342.
Retinal dystrophy. Also called: Inherited retinal dystrophy. Identifiers: Orphanet 71862, MedGen C0854723, MeSH D058499, MONDO:0019118, HP:0000556.

Allele frequency attached by ClinVar (database versions not stated): ExAC 0.00006; gnomAD 0.00007; TOPMed 0.00007; gnomAD exomes 0.00008 and 0.00009.
gnomAD v4.1: 141 of 1,614,140 alleles (0.0087%); highest among the groups gnomAD compares: Middle Eastern, 0.28%; 1 homozygote.

Submissions (7):

CeGaT Center for Human Genetics Tuebingen
Classification: Likely benign. Last evaluated: 2026-06-01. Review status: criteria provided, single submitter. Criteria: CeGaT Center For Human Genetics Tuebingen Variant Classification Criteria Version 2. Collection method: clinical testing. Allele origin: germline. Affected: yes. Observed: 2 variant alleles.
Comment: LAMA1: BP4

Ambry Genetics
Classification: Uncertain significance for Inborn genetic diseases. Last evaluated: 2024-11-25. Review status: criteria provided, single submitter. Criteria: Ambry Variant Classification Scheme 2023. Collection method: clinical testing. Allele origin: germline.

Blueprint Genetics
Classification: Uncertain significance. Last evaluated: 2024-10-16. Review status: criteria provided, single submitter. Criteria: ACMG Guidelines, 2015. Collection method: clinical testing. Allele origin: germline.

Daryl Scott Lab, Baylor College of Medicine
Classification: Uncertain significance for Ataxia - intellectual disability - oculomotor apraxia - cerebellar cysts syndrome. Last evaluated: 2024-01-01. Review status: criteria provided, single submitter. Criteria: ACMG Guidelines, 2015. Collection method: clinical testing. Allele origin: unknown. Observed: 1 heterozygote.
Comment: BS2

Labcorp Genetics (formerly Invitae), Labcorp
Classification: Uncertain significance. Last evaluated: 2021-12-02. Review status: criteria provided, single submitter. Criteria: Invitae Variant Classification Sherloc (09022015). Collection method: clinical testing. Allele origin: germline.
Comment: In summary, the available evidence is currently insufficient to determine the role of this variant in disease. Therefore, it has been classified as a Variant of Uncertain Significance. Algorithms developed to predict the effect of missense changes on protein structure and function output the following: SIFT: "Tolerated"; PolyPhen-2: "Benign"; Align-GVGD: "Class C0". The arginine amino acid residue is found in multiple mammalian species, which suggests that this missense change does not adversely affect protein function. ClinVar contains an entry for this variant (Variation ID: 435703). This variant has not been reported in the literature in individuals affected with LAMA1-related conditions. This variant is present in population databases (rs769644598, gnomAD 0.03%). This sequence change replaces glycine, which is neutral and non-polar, with arginine, which is basic and polar, at codon 2633 of the LAMA1 protein (p.Gly2633Arg).

Genetic Services Laboratory, University of Chicago
Classification: Uncertain significance. Last evaluated: 2016-04-06. Review status: criteria provided, single submitter. Criteria: ACMG Guidelines, 2015. Collection method: clinical testing. Allele origin: germline. Affected: no.

Institute of Human Genetics, Univ. Regensburg, Univ. Regensburg
Classification: Uncertain significance for Retinal dystrophy. Last evaluated: 2022-01-01. Review status: no assertion criteria provided. Criteria: ACMG Guidelines, 2015. Collection method: clinical testing. Allele origin: germline. Affected: yes. Not counted in ClinVar's aggregate classification.